The following is an entry in ClinVar:

ClinVar aggregate classification (germline): Likely benign. Review status: criteria provided, multiple submitters, no conflicts (2 of 4 stars). 2 submissions from 2 submitters: Likely benign (2). Last evaluated 2026-04-19.

Conditions:
ZMIZ1-related disorder. Also called: ZMIZ1-related condition.

Allele frequency attached by ClinVar (database versions not stated): 1000 Genomes Project 30x 0.00031; 1000 Genomes Project 0.00040; ESP Exome Variant Server 0.00046.
gnomAD v4.1: 174 of 1,613,242 alleles (0.011%); highest among the groups gnomAD compares: African/African-American, 0.2%; 1 homozygote.

Submissions (2):

PreventionGenetics, part of Exact Sciences
Classification: Likely benign for ZMIZ1-related condition. Last evaluated: 2026-04-19. Review status: criteria provided, single submitter. Criteria: ACMG Guidelines, 2015. Collection method: clinical testing. Allele origin: germline.
Comment: This variant is classified as likely benign based on ACMG/AMP sequence variant interpretation guidelines (Richards et al. 2015 PMID: 25741868, with internal and published modifications).

Labcorp Genetics (formerly Invitae), Labcorp
Classification: Likely benign. Last evaluated: 2025-12-23. Review status: criteria provided, single submitter. Criteria: Invitae Variant Classification Sherloc (09022015). Collection method: clinical testing. Allele origin: germline.

NM_020338.4(ZMIZ1):c.2850C>T (p.Gly950=)

Gene: ZMIZ1 (zinc finger MIZ-type containing 1; plus strand). Cytogenetic location: 10q22.3.
Variant type: single nucleotide variant.
Coding change: c.2850C>T on transcript NM_020338.4 (MANE Select); coding-DNA position 2850, C replaced by T.
Protein change: p.Gly950=; no amino-acid change (glycine 950 retained).
Molecular consequence: synonymous variant.
Genome position (GRCh38, 1-based): chr10:79,310,938, C>T. VCF-style: chr10-79310938-C-T. GRCh37 (hg19) VCF-style: chr10-81070695-C-T.
Other names: c.2850C>T (NM_020338.3).
Identifiers: ClinVar variation 2058087 (VCV002058087.5), dbSNP rs139007441, ClinGen allele CA5573138.